The following is an entry in ClinVar:

NM_080632.3(UPF3B):c.1049G>A (p.Arg350Gln)

Gene: UPF3B (UPF3B regulator of nonsense mediated mRNA decay; minus strand). Cytogenetic location: Xq24.
Variant type: single nucleotide variant.
Coding change: c.1049G>A on transcript NM_080632.3 (MANE Select); coding-DNA position 1049, G replaced by A.
Protein change: p.Arg350Gln; replaces arginine 350 with glutamine.
Molecular consequence: missense variant.
Genome position (GRCh38, 1-based): chrX:119,838,010, C>T on the plus strand (G>A on the coding strand, the complement: UPF3B is on the minus strand). VCF-style: chrX-119838010-C-T. GRCh37 (hg19) VCF-style: chrX-118971973-C-T.
Other names: c.1010G>A, p.Arg337Gln (NM_023010.4); short protein forms R337Q, R350Q.
Identifiers: ClinVar variation 1469888 (VCV001469888.9), dbSNP rs185347914, ClinGen allele CA10503200.

ClinVar aggregate classification (germline): Uncertain significance. Review status: criteria provided, multiple submitters, no conflicts (2 of 4 stars). 2 submissions from 2 submitters: Uncertain significance (2). Last evaluated 2024-02-17.

Conditions:
Intellectual developmental disorder, X-linked, syndromic 14. Also called: Syndromic X-linked intellectual disability 14. Identifiers: Orphanet 776, MedGen C1970822, MONDO:0010398, OMIM 300676.

Allele frequency attached by ClinVar (database versions not stated): gnomAD exomes 0.00001 and 0.00002; 1000 Genomes Project 30x 0.00021; ExAC 0.00002; TOPMed 0.00001; 1000 Genomes Project 0.00026.

Submissions (2):

Labcorp Genetics (formerly Invitae), Labcorp
Classification: Uncertain significance for Intellectual developmental disorder, X-linked, syndromic 14. Last evaluated: 2024-02-17. Review status: criteria provided, single submitter. Criteria: Invitae Variant Classification Sherloc (09022015). Collection method: clinical testing. Allele origin: germline.
Comment: This sequence change replaces arginine, which is basic and polar, with glutamine, which is neutral and polar, at codon 350 of the UPF3B protein (p.Arg350Gln). This variant is present in population databases (rs185347914, gnomAD 0.02%), including at least one homozygous and/or hemizygous individual. This variant has not been reported in the literature in individuals affected with UPF3B-related conditions. ClinVar contains an entry for this variant (Variation ID: 1469888). Advanced modeling of protein sequence and biophysical properties (such as structural, functional, and spatial information, amino acid conservation, physicochemical variation, residue mobility, and thermodynamic stability) performed at Invitae indicates that this missense variant is not expected to disrupt UPF3B protein function with a negative predictive value of 80%. In summary, the available evidence is currently insufficient to determine the role of this variant in disease. Therefore, it has been classified as a Variant of Uncertain Significance.

Blueprint Genetics
Classification: Uncertain significance. Last evaluated: 2018-09-10. Review status: criteria provided, single submitter. Criteria: ACMG Guidelines, 2015. Collection method: clinical testing. Allele origin: germline.